The following is an entry in ClinVar:

ClinVar aggregate classification (germline): Uncertain significance (1 of 4 stars; one submission).

Conditions:
Familial cold autoinflammatory syndrome 2 (FCAS2). Identifiers: Orphanet 247868, MedGen C2673198, MONDO:0012724, OMIM 611762.

Submission:

Labcorp Genetics (formerly Invitae), Labcorp
Classification: Uncertain significance for Familial cold autoinflammatory syndrome 2. Last evaluated: 2020-06-29. Review status: criteria provided, single submitter. Criteria: Invitae Variant Classification Sherloc (09022015). Collection method: clinical testing. Allele origin: germline.
Comment: In summary, the available evidence is currently insufficient to determine the role of this variant in disease. Therefore, it has been classified as a Variant of Uncertain Significance. The current clinical and genetic evidence is not sufficient to establish whether loss-of-function variants in NLRP12 cause disease. This variant has not been reported in the literature in individuals with NLRP12-related conditions. This variant is not present in population databases (ExAC no frequency). This sequence change creates a premature translational stop signal (p.Glu78*) in the NLRP12 gene. It is expected to result in an absent or disrupted protein product.

NM_144687.4(NLRP12):c.231dup (p.Glu78Ter)

Gene: NLRP12 (NLR family pyrin domain containing 12; minus strand). Cytogenetic location: 19q13.42.
Variant type: Duplication.
Coding change: c.231dup on transcript NM_144687.4 (MANE Select); coding-DNA position 231, one base duplicated (T; older notation c.231dupT).
Protein change: p.Glu78Ter; replaces glutamic acid 78 with a stop codon.
Molecular consequence: nonsense.
Genome position (GRCh38, 1-based): chr19:53,823,944, A duplicated on the plus strand (T on the coding strand, the reverse complement: NLRP12 is on the minus strand); the first of 3 consecutive A bases (chr19:53,823,944-53,823,946); duplicating any one gives the same sequence. VCF-style (leftmost placement, unchanged base first): chr19-53823943-C-CA. GRCh37 (hg19) VCF-style: chr19-54327197-C-CA.
Other names: c.231dup, p.Glu78Ter (NM_001277126.2, NM_001277129.1); short protein forms E78*.
Identifiers: ClinVar variation 1018721 (VCV001018721.6), dbSNP rs2092306297, ClinGen allele CA2342544799.